The following is an entry in ClinVar:

NM_000487.6(ARSA):c.1348G>A (p.Ala450Thr)

Gene: ARSA (arylsulfatase A; minus strand). Cytogenetic location: 22q13.33.
Variant type: single nucleotide variant.
Coding change: c.1348G>A on transcript NM_000487.6 (MANE Select); coding-DNA position 1348, G replaced by A.
Protein change: p.Ala450Thr; replaces alanine 450 with threonine.
Molecular consequence: missense variant.
Genome position (GRCh38, 1-based): chr22:50,625,327, C>T on the plus strand (G>A on the coding strand, the complement: ARSA is on the minus strand). VCF-style: chr22-50625327-C-T. GRCh37 (hg19) VCF-style: chr22-51063755-C-T.
Other names: c.1348G>A, p.Ala450Thr (NM_001085425.3, NM_001085426.3, NM_001085427.3); c.1090G>A, p.Ala364Thr (NM_001085428.3, NM_001362782.2); short protein forms A364T, A450T.
Identifiers: ClinVar variation 1328586 (VCV001328586.2), dbSNP rs2146716261, ClinGen allele CA412168315.

ClinVar aggregate classification (germline): Uncertain significance (1 of 4 stars; one submission).

Submission:

GeneDx
Classification: Uncertain significance. Last evaluated: 2021-06-16. Review status: criteria provided, single submitter. Criteria: GeneDx Variant Classification Process June 2021. Collection method: clinical testing. Allele origin: germline. Affected: yes.
Comment: Not observed at significant frequency in large population cohorts (Lek et al., 2016); In silico analysis supports that this missense variant does not alter protein structure/function; Has not been previously published as pathogenic or benign to our knowledge